The following is an entry in ClinVar:

ClinVar aggregate classification (germline): Likely pathogenic (1 of 4 stars; one submission).

Conditions:
Cystinuria (CSNU). Also called: Cystinuria, non-type I; CYSTINURIA, TYPE I; CYSTINURIA, TYPE II; CYSTINURIA, TYPE III. Identifiers: Orphanet 214, MedGen C0010691, MONDO:0009067, OMIM 220100, HP:0003131.

Submission:

Centre for Mendelian Genomics, University Medical Centre Ljubljana
Classification: Likely pathogenic for Cystinuria. Last evaluated: 2016-01-01. Review status: criteria provided, single submitter. Criteria: ACMG Guidelines, 2015. Collection method: clinical testing. Allele origin: unknown. Affected: yes.
Comment: This variant was classified as: Likely pathogenic. The following ACMG criteria were applied in classifying this variant: PM1,PM2,PM4,PP4. This variant was detected in homozygous state.

NM_014270.5(SLC7A9):c.450_452del (p.Val151del)

Gene: SLC7A9 (solute carrier family 7 member 9; minus strand). Cytogenetic location: 19q13.11.
Variant type: Deletion.
Coding change: c.450_452del on transcript NM_014270.5 (MANE Select); coding-DNA positions 450 to 452, 3 bases deleted (TGT; older notation c.450_452delTGT).
Protein change: p.Val151del; deletes valine 151.
Molecular consequence: inframe deletion.
Genome position (GRCh38, 1-based): chr19:32,864,122-32,864,124, ACA deleted on the plus strand (TGT on the coding strand, the reverse complement: SLC7A9 is on the minus strand); deleting any 3 consecutive bases within chr19:32,864,122-32,864,126 gives the same sequence; the c. name uses the placement nearest the transcript's 3' end. VCF-style (leftmost placement, unchanged base first): chr19-32864121-CACA-C. GRCh37 (hg19) VCF-style: chr19-33355027-CACA-C.
Other names: c.450_452del, p.Val151del (NM_001126335.2, NM_001243036.2); short protein forms V151del.
Identifiers: ClinVar variation 932013 (VCV000932013.3), dbSNP rs1294838201, ClinGen allele CA633054524.